The following is an entry in ClinVar:

NM_001256789.3(CACNA1F):c.3595C>T (p.Gln1199Ter)

Gene: CACNA1F (calcium voltage-gated channel subunit alpha1 F; minus strand). Cytogenetic location: Xp11.23.
Variant type: single nucleotide variant.
Coding change: c.3595C>T on transcript NM_001256789.3 (MANE Select); coding-DNA position 3595, C replaced by T.
Protein change: p.Gln1199Ter; replaces glutamine 1199 with a stop codon.
Molecular consequence: nonsense.
Genome position (GRCh38, 1-based): chrX:49,215,088, G>A on the plus strand (C>T on the coding strand, the complement: CACNA1F is on the minus strand). VCF-style: chrX-49215088-G-A. GRCh37 (hg19) VCF-style: chrX-49071548-G-A.
Other names: c.3433C>T, p.Gln1145Ter (NM_001256790.3); c.3628C>T, p.Gln1210Ter (NM_005183.4); short protein forms Q1210*, Q1145*, Q1199*.
Identifiers: ClinVar variation 438125 (VCV000438125.2), dbSNP rs782362725, ClinGen allele CA412963019.

ClinVar aggregate classification (germline): Likely pathogenic (0 of 4 stars; one submission).

Conditions:
Abnormality of the eye. Identifiers: MedGen C4316870, HP:0000478.

Submission:

NIHR Bioresource Rare Diseases, University of Cambridge
Classification: Likely pathogenic for Disorder of eye. Last evaluated: 2015-01-01. Review status: no assertion criteria provided. Collection method: research. Allele origin: unknown. Affected: yes. Observed: 1 variant allele.
Comment: Undetermined rare ocular disorder with frequency of less than eight patients

Literature cited by the submitters: PubMed 28041643.